The following is an entry in ClinVar:

ClinVar aggregate classification (germline): Uncertain significance. Review status: criteria provided, multiple submitters, no conflicts (2 of 4 stars). 6 submissions from 6 submitters: Uncertain significance (5). 1 of the submissions does not count toward it. Last evaluated 2024-05-06.

Conditions:
Cardiovascular phenotype. Identifiers: MedGen CN230736.
RYR2-related disorder. Also called: RYR2-related condition.
Catecholaminergic polymorphic ventricular tachycardia (CVPT). Also called: Catecholamine-induced polymorphic ventricular tachycardia. Identifiers: Orphanet 3286, MedGen C5574922, MONDO:0017990.
Cardiomyopathy (CMYO). Also called: Cardiomyopathies. Identifiers: Orphanet 167848, MedGen C0878544, MONDO:0004994, HP:0001638. Inheritance: Various modes of inheritance.
Catecholaminergic polymorphic ventricular tachycardia 1. Also called: RYR2-Related Catecholaminergic Polymorphic Ventricular Tachycardia; VENTRICULAR TACHYCARDIA, CATECHOLAMINERGIC POLYMORPHIC, 1, WITH OR WITHOUT ATRIAL DYSFUNCTION AND/OR DILATED CARDIOMYOPATHY; VENTRICULAR TACHYCARDIA, STRESS-INDUCED POLYMORPHIC 1. Identifiers: Orphanet 3286, MedGen C1631597, MONDO:0011484, OMIM 604772.

Allele frequency attached by ClinVar (database versions not stated): gnomAD exomes below 0.00001; TOPMed below 0.00001; gnomAD 0.00001.
gnomAD v4.1: 3 of 1,613,262 alleles (0.00019%); highest among the groups gnomAD compares: Non-Finnish European, 0.00025%; no homozygotes.

Submissions (6):

Color Diagnostics, LLC DBA Color Health
Classification: Uncertain significance for Cardiomyopathy. Last evaluated: 2024-05-06. Review status: criteria provided, single submitter. Criteria: ACMG Guidelines, 2015. Collection method: clinical testing. Allele origin: germline.
Comment: This variant changes 1 nucleotide in exon 36 of the RYR2 gene, creating a premature translation stop signal. This variant is expected to result in an absent or non-functional protein product. To our knowledge, this variant has not been reported in individuals affected with RYR2-related disorders in the literature. This variant has not been identified in the general population by the Genome Aggregation Database (gnomAD). Clinical relevance of loss-of-function RYR2 truncation variants in autosomal dominant cardiovascular disorders is not clearly established. The available evidence is insufficient to determine the role of this variant in disease conclusively. Therefore, this variant is classified as a Variant of Uncertain Significance.

GeneDx
Classification: Uncertain significance. Last evaluated: 2023-12-14. Review status: criteria provided, single submitter. Criteria: GeneDx Variant Classification Process June 2021. Collection method: clinical testing. Allele origin: germline. Affected: yes.
Comment: Has not been previously published as pathogenic or benign to our knowledge; Not observed at significant frequency in large population cohorts (gnomAD); Nonsense variant predicted to result in protein truncation or nonsense mediated decay in a gene or region of a gene for which loss of function is not a well-established mechanism of disease

Ambry Genetics
Classification: Uncertain significance for Cardiovascular phenotype. Last evaluated: 2023-05-10. Review status: criteria provided, single submitter. Criteria: Ambry Variant Classification Scheme 2023. Collection method: clinical testing. Allele origin: germline.
Comment: The p.R1610* variant (also known as c.4828C>T), located in coding exon 36 of the RYR2 gene, results from a C to T substitution at nucleotide position 4828. This changes the amino acid from an arginine to a stop codon within coding exon 36. This alteration is expected to result in protein truncation or nonsense-mediated mRNA decay. However, loss of function of RYR2 has not been established as a mechanism of disease. Since supporting evidence is limited at this time, the clinical significance of this alteration remains unclear.

All of Us Research Program, National Institutes of Health
Classification: Uncertain significance for Catecholaminergic polymorphic ventricular tachycardia. Last evaluated: 2023-05-04. Review status: criteria provided, single submitter. Criteria: ACMG Guidelines, 2015. Collection method: clinical testing. Allele origin: germline. Inheritance: Autosomal dominant inheritance. Observed: 1 variant allele, 1 heterozygote.
Comment: This variant changes 1 nucleotide in exon 36 of the RYR2 gene, creating a premature translation stop signal. This variant is expected to result in an absent or non-functional protein product. To our knowledge, this variant has not been reported in individuals affected with RYR2-related disorders in the literature. This variant has not been identified in the general population by the Genome Aggregation Database (gnomAD). Clinical relevance of loss-of-function RYR2 truncation variants in autosomal dominant cardiovascular disorders is not clearly established. The available evidence is insufficient to determine the role of this variant in disease conclusively. Therefore, this variant is classified as a Variant of Uncertain Significance.

This study involves interpretation of variants in research participants for the purpose of population health screening. Participant phenotype was not available at the time of variant classification. Additional details can be found in publication PMID: 35346344, PMCID: PMC8962531

Labcorp Genetics (formerly Invitae), Labcorp
Classification: Uncertain significance for Catecholaminergic polymorphic ventricular tachycardia 1. Last evaluated: 2022-09-23. Review status: criteria provided, single submitter. Criteria: Invitae Variant Classification Sherloc (09022015). Collection method: clinical testing. Allele origin: germline.
Comment: This sequence change creates a premature translational stop signal (p.Arg1610*) in the RYR2 gene. It is expected to result in an absent or disrupted protein product. However, the current clinical and genetic evidence is not sufficient to establish whether loss-of-function variants in RYR2 cause disease. This variant is not present in population databases (gnomAD no frequency). This variant has not been reported in the literature in individuals affected with RYR2-related conditions. ClinVar contains an entry for this variant (Variation ID: 201251). In summary, the available evidence is currently insufficient to determine the role of this variant in disease. Therefore, it has been classified as a Variant of Uncertain Significance.

PreventionGenetics, part of Exact Sciences
Classification: Uncertain significance for RYR2-related condition. Last evaluated: 2023-12-04. Review status: no assertion criteria provided. Collection method: clinical testing. Allele origin: germline. Not counted in ClinVar's aggregate classification.
Comment: The RYR2 c.4828C>T variant is predicted to result in premature protein termination (p.Arg1610*). To our knowledge, this variant has not been reported in the literature or in a large population database, indicating this variant is rare. Loss of function has not been conclusively established as a mechanism for RYR2-related disorders. At this time, the clinical significance of this variant is uncertain due to the absence of conclusive functional and genetic evidence.

NM_001035.3(RYR2):c.4828C>T (p.Arg1610Ter)

Gene: RYR2 (ryanodine receptor 2; plus strand). Cytogenetic location: 1q43.
Variant type: single nucleotide variant.
Coding change: c.4828C>T on transcript NM_001035.3 (MANE Select); coding-DNA position 4828, C replaced by T.
Protein change: p.Arg1610Ter; replaces arginine 1610 with a stop codon.
Molecular consequence: nonsense.
Genome position (GRCh38, 1-based): chr1:237,610,906, C>T. VCF-style: chr1-237610906-C-T. GRCh37 (hg19) VCF-style: chr1-237774206-C-T.
Other names: p.R1610*:CGA>TGA; c.4828C>T, p.Arg1610Ter (LRG_402t1); short protein forms R1610*.
Identifiers: ClinVar variation 201251 (VCV000201251.18), dbSNP rs794728738, ClinGen allele CA009699.